The following is an entry in ClinVar:

ClinVar aggregate classification (germline): Pathogenic. Review status: criteria provided, multiple submitters, no conflicts (2 of 4 stars). 3 submissions from 3 submitters: Pathogenic (2). 1 of the submissions does not count toward it. Last evaluated 2023-07-03.

Conditions:
Early-infantile DEE. Also called: Early infantile epileptic encephalopathy with suppression bursts; Ohtahara syndrome; Early infantile epileptic encephalopathy. Identifiers: Orphanet 1934, MedGen C0393706, MONDO:0800491.
Developmental and epileptic encephalopathy, 7 (DEE7). Also called: KCNQ2-Related Neonatal Epileptic Encephalopathy; KCNQ2-Related Neonatal-Onset Developmental and Epileptic Encephalopathy (NEO-DEE); Early infantile epileptic encephalopathy 7. Identifiers: Orphanet 439218, MedGen C3150986, MONDO:0013387, OMIM 613720.
Seizures, benign familial neonatal, 1. Also called: Benign Neonatal Epilepsy 1; KCNQ2-Related Benign Familial Neonatal Epilepsy; KCNQ2-Related Self-Limited Familial Neonatal Epilepsy (SLFNE); Seizures, benign neonatal, 1. Identifiers: Orphanet 1949, MedGen C3149074, MONDO:0007365, OMIM 121200.

Submissions (3):

Labcorp Genetics (formerly Invitae), Labcorp
Classification: Pathogenic for Early-infantile DEE. Last evaluated: 2023-07-03. Review status: criteria provided, single submitter. Criteria: Invitae Variant Classification Sherloc (09022015). Collection method: clinical testing. Allele origin: germline.
Comment: For these reasons, this variant has been classified as Pathogenic. ClinVar contains an entry for this variant (Variation ID: 21759). This variant is also known as 1369del2. This premature translational stop signal has been observed in individual(s) with KCNQ2-related conditions (PMID: 15030501). This variant is not present in population databases (gnomAD no frequency). This sequence change creates a premature translational stop signal (p.Lys398Glufs*2) in the KCNQ2 gene. It is expected to result in an absent or disrupted protein product. Loss-of-function variants in KCNQ2 are known to be pathogenic (PMID: 14534157, 23692823, 27779742).

Institute of Human Genetics, University of Leipzig Medical Center
Classification: Pathogenic for Developmental and epileptic encephalopathy, 7. Last evaluated: 2016-06-24. Review status: criteria provided, single submitter. Criteria: ACMG Guidelines, 2015. Collection method: clinical testing. Allele origin: germline. Affected: yes. Observed: 1 variant allele.

GeneReviews
No classification provided. Condition: Seizures, benign familial neonatal, 1. Review status: no classification provided. Collection method: literature only. Allele origin: germline. Affected: yes. Not counted in ClinVar's aggregate classification.
Comment: BFNIS (benign familial neonatal-infantile seizures)

Literature cited by the submitters: PubMed 15030501 (cited by Labcorp Genetics (formerly Invitae), Labcorp and GeneReviews); PubMed 14534157 (cited by Labcorp Genetics (formerly Invitae), Labcorp); PubMed 23692823 (cited by Labcorp Genetics (formerly Invitae), Labcorp); PubMed 27779742 (cited by Labcorp Genetics (formerly Invitae), Labcorp); NCBI Bookshelf NBK32534 (cited by GeneReviews).

NM_172107.4(KCNQ2):c.1192_1193del (p.Lys398fs)

Gene: KCNQ2 (potassium voltage-gated channel subfamily Q member 2; minus strand). Cytogenetic location: 20q13.33.
Variant type: Deletion.
Coding change: c.1192_1193del on transcript NM_172107.4 (MANE Select); coding-DNA positions 1192 to 1193, 2 bases deleted (AA; older notation c.1192_1193delAA).
Protein change: p.Lys398fs; shifts the reading frame from lysine 398.
Molecular consequence: frameshift variant.
Genome position (GRCh38, 1-based): chr20:63,428,391-63,428,392, TT deleted on the plus strand (AA on the coding strand, the reverse complement: KCNQ2 is on the minus strand). VCF-style (leftmost placement, unchanged base first): chr20-63428390-CTT-C. GRCh37 (hg19) VCF-style: chr20-62059743-CTT-C.
Other names: c.1162_1163del, p.Lys388fs (NM_004518.6); c.1192_1193del, p.Lys398fs (NM_172106.3, NM_172108.5); c.1192_1193del (NM_172107.2); short protein forms K398fs, K388fs.
Identifiers: ClinVar variation 21759 (VCV000021759.6), dbSNP rs118192222, ClinGen allele CA342466.